The following is an entry in ClinVar:

NM_005477.3(HCN4):c.272G>T (p.Gly91Val)

Gene: HCN4 (hyperpolarization activated cyclic nucleotide gated potassium channel 4; minus strand). Cytogenetic location: 15q24.1.
Variant type: single nucleotide variant.
Coding change: c.272G>T on transcript NM_005477.3 (MANE Select); coding-DNA position 272, G replaced by T.
Protein change: p.Gly91Val; replaces glycine 91 with valine.
Molecular consequence: missense variant.
Genome position (GRCh38, 1-based): chr15:73,367,999, C>A on the plus strand (G>T on the coding strand, the complement: HCN4 is on the minus strand). VCF-style: chr15-73367999-C-A. GRCh37 (hg19) VCF-style: chr15-73660340-C-A.
Other names: short protein forms G91V.
Identifiers: ClinVar variation 3689788 (VCV003689788.2).

ClinVar aggregate classification (germline): Uncertain significance (1 of 4 stars; one submission).

Conditions:
Brugada syndrome 8 (BRGDA8). Identifiers: Orphanet 130, MedGen C2751083, MONDO:0013148, OMIM 613123.

gnomAD v4.1: 2 of 1,373,460 alleles (0.00015%); highest among the groups gnomAD compares: Non-Finnish European, 0.00019%; no homozygotes.

Submission:

Labcorp Genetics (formerly Invitae), Labcorp
Classification: Uncertain significance for Brugada syndrome 8. Last evaluated: 2024-05-07. Review status: criteria provided, single submitter. Criteria: Invitae Variant Classification Sherloc (09022015). Collection method: clinical testing. Allele origin: germline.
Comment: This sequence change replaces glycine, which is neutral and non-polar, with valine, which is neutral and non-polar, at codon 91 of the HCN4 protein (p.Gly91Val). This variant is not present in population databases (gnomAD no frequency). This variant has not been reported in the literature in individuals affected with HCN4-related conditions. Advanced modeling of protein sequence and biophysical properties (such as structural, functional, and spatial information, amino acid conservation, physicochemical variation, residue mobility, and thermodynamic stability) performed at Invitae indicates that this missense variant is not expected to disrupt HCN4 protein function with a negative predictive value of 95%. In summary, the available evidence is currently insufficient to determine the role of this variant in disease. Therefore, it has been classified as a Variant of Uncertain Significance.